The following is an entry in ClinVar:

NM_181882.3(PRX):c.3483G>A (p.Gly1161=)

Gene: PRX (periaxin; minus strand). Cytogenetic location: 19q13.2.
Variant type: single nucleotide variant.
Coding change: c.3483G>A on transcript NM_181882.3 (MANE Select); coding-DNA position 3483, G replaced by A.
Protein change: p.Gly1161=; no amino-acid change (glycine 1161 retained).
Molecular consequence: synonymous variant. On other transcripts: 3 prime UTR variant (1).
Genome position (GRCh38, 1-based): chr19:40,394,869, C>T on the plus strand (G>A on the coding strand, the complement: PRX is on the minus strand). VCF-style: chr19-40394869-C-T. GRCh37 (hg19) VCF-style: chr19-40900776-C-T.
Other names: c.*3688G>A (NM_020956.2); c.3483G>A (NM_181882.2).
Identifiers: ClinVar variation 1655934 (VCV001655934.9), dbSNP rs1344913169, ClinGen allele CA507678331.

ClinVar aggregate classification (germline): Likely benign. Review status: criteria provided, multiple submitters, no conflicts (2 of 4 stars). 2 submissions from 2 submitters: Likely benign (2). Last evaluated 2026-06-01.

Conditions:
PRX-related disorder. Also called: PRX-related condition; PRX-Related Disorders.
Charcot-Marie-Tooth disease type 4. Also called: Charcot-Marie-Tooth disease, type IV; Charcot-Marie-Tooth, Type 4. Identifiers: Orphanet 64749, MedGen C4082197, MONDO:0018995.

Allele frequency attached by ClinVar (database versions not stated): gnomAD 0.00001; gnomAD exomes 0.00001 and 0.00002; TOPMed 0.00001.
gnomAD v4.1: 8 of 1,611,904 alleles (0.0005%); highest among the groups gnomAD compares: Admixed American, 0.012%; no homozygotes.

Submissions (2):

PreventionGenetics, part of Exact Sciences
Classification: Likely benign for PRX-related condition. Last evaluated: 2026-06-01. Review status: criteria provided, single submitter. Criteria: ACMG Guidelines, 2015. Collection method: clinical testing. Allele origin: germline.
Comment: This variant is classified as likely benign based on ACMG/AMP sequence variant interpretation guidelines (Richards et al. 2015 PMID: 25741868, with internal and published modifications).

Labcorp Genetics (formerly Invitae), Labcorp
Classification: Likely benign for Charcot-Marie-Tooth disease type 4. Last evaluated: 2025-10-01. Review status: criteria provided, single submitter. Criteria: Invitae Variant Classification Sherloc (09022015). Collection method: clinical testing. Allele origin: germline.